The following is an entry in ClinVar:

NM_002250.3(KCNN4):c.504C>T (p.Leu168=)

Gene: KCNN4 (potassium calcium-activated channel subfamily N member 4; minus strand). Cytogenetic location: 19q13.31.
Variant type: single nucleotide variant.
Coding change: c.504C>T on transcript NM_002250.3 (MANE Select); coding-DNA position 504, C replaced by T.
Protein change: p.Leu168=; no amino-acid change (leucine 168 retained).
Molecular consequence: synonymous variant.
Genome position (GRCh38, 1-based): chr19:43,774,371, G>A on the plus strand (C>T on the coding strand, the complement: KCNN4 is on the minus strand). VCF-style: chr19-43774371-G-A. GRCh37 (hg19) VCF-style: chr19-44278523-G-A.
Identifiers: ClinVar variation 719211 (VCV000719211.9), dbSNP rs551228061, ClinGen allele CA9491979.
Genomic context (GRCh38, chr19:43,774,371, plus strand): 5'-GACTTGATTGAGAGCGCCGATGCTGCGGTAGGAAGCGTTGAGCAGGACGCCGCTGCGCAG[G>A]AGCACGGCGCGGGGCACCAGGTAGAGACGCAGCAGCATGGCCAGGGACAGCAGCGCTTCC-3'
Protein context (NP_002241.1, residues 158-178): LRLYLVPRAV[Leu168=]LRSGVLLNAS

ClinVar aggregate classification (germline): Benign/Likely benign. Review status: criteria provided, multiple submitters, no conflicts (2 of 4 stars). 3 submissions from 3 submitters: Benign (1); Likely benign (2). Last evaluated 2025-12-26.

Conditions:
KCNN4-related disorder. Also called: KCNN4-related condition.

Allele frequency attached by ClinVar (database versions not stated): gnomAD exomes 0.00011 and 0.00047; gnomAD 0.00025 and 0.00026; TOPMed 0.00037; 1000 Genomes Project 0.00040; 1000 Genomes Project 30x 0.00047; ExAC 0.00050.
gnomAD v4.1: 209 of 1,606,082 alleles (0.013%); highest among the groups gnomAD compares: East Asian, 0.37%; 1 homozygote.

Submissions (3):

Labcorp Genetics (formerly Invitae), Labcorp
Classification: Benign. Last evaluated: 2025-12-26. Review status: criteria provided, single submitter. Criteria: Invitae Variant Classification Sherloc (09022015). Collection method: clinical testing. Allele origin: germline.

PreventionGenetics, part of Exact Sciences
Classification: Likely benign for KCNN4-related condition. Last evaluated: 2025-11-21. Review status: criteria provided, single submitter. Criteria: ACMG Guidelines, 2015. Collection method: clinical testing. Allele origin: germline.
Comment: This variant is classified as likely benign based on ACMG/AMP sequence variant interpretation guidelines (Richards et al. 2015 PMID: 25741868, with internal and published modifications).

Blueprint Genetics
Classification: Likely benign. Last evaluated: 2024-02-14. Review status: criteria provided, single submitter. Criteria: ACMG Guidelines, 2015. Collection method: clinical testing. Allele origin: germline.